The following is an entry in ClinVar:

NM_001367561.1(DOCK7):c.638G>A (p.Arg213Gln)

Gene: DOCK7 (dedicator of cytokinesis 7; minus strand). Cytogenetic location: 1p31.3.
Variant type: single nucleotide variant.
Coding change: c.638G>A on transcript NM_001367561.1 (MANE Select); coding-DNA position 638, G replaced by A.
Protein change: p.Arg213Gln; replaces arginine 213 with glutamine.
Molecular consequence: missense variant.
Genome position (GRCh38, 1-based): chr1:62,648,200, C>T on the plus strand (G>A on the coding strand, the complement: DOCK7 is on the minus strand). VCF-style: chr1-62648200-C-T. GRCh37 (hg19) VCF-style: chr1-63113871-C-T.
Other names: c.638G>A, p.Arg213Gln (NM_001272002.2, NM_001330614.2, NM_001271999.2 and 3 more transcripts); c.638G>A (NM_033407.2); short protein forms R213Q.
Identifiers: ClinVar variation 1061250 (VCV001061250.8), dbSNP rs1408421974, ClinGen allele CA340627552.

ClinVar aggregate classification (germline): Uncertain significance. Review status: criteria provided, multiple submitters, no conflicts (2 of 4 stars). 3 submissions from 3 submitters: Uncertain significance (3). Last evaluated 2025-01-09.

Conditions:
Inborn genetic diseases. Identifiers: MedGen C0950123, MeSH D030342.
Developmental and epileptic encephalopathy, 23 (DEE23). Also called: Epileptic encephalopathy, early infantile, 23. Identifiers: Orphanet 411986, MedGen C4014492, MONDO:0014371, OMIM 615859.

Allele frequency attached by ClinVar (database versions not stated): gnomAD exomes below 0.00001.
gnomAD v4.1: 4 of 1,613,508 alleles (0.00025%); highest among the groups gnomAD compares: Middle Eastern, 0.033%; no homozygotes.

Submissions (3):

Ambry Genetics
Classification: Uncertain significance for Inborn genetic diseases. Last evaluated: 2025-01-09. Review status: criteria provided, single submitter. Criteria: Ambry Variant Classification Scheme 2023. Collection method: clinical testing. Allele origin: germline.

Labcorp Genetics (formerly Invitae), Labcorp
Classification: Uncertain significance for Developmental and epileptic encephalopathy, 23. Last evaluated: 2021-08-27. Review status: criteria provided, single submitter. Criteria: Invitae Variant Classification Sherloc (09022015). Collection method: clinical testing. Allele origin: germline.
Comment: This sequence change replaces arginine with glutamine at codon 213 of the DOCK7 protein (p.Arg213Gln). The arginine residue is moderately conserved and there is a small physicochemical difference between arginine and glutamine. This variant is not present in population databases (ExAC no frequency). This variant has not been reported in the literature in individuals affected with DOCK7-related conditions. Algorithms developed to predict the effect of missense changes on protein structure and function (SIFT, PolyPhen-2, Align-GVGD) all suggest that this variant is likely to be tolerated. In summary, the available evidence is currently insufficient to determine the role of this variant in disease. Therefore, it has been classified as a Variant of Uncertain Significance.

Blueprint Genetics
Classification: Uncertain significance. Last evaluated: 2019-09-30. Review status: criteria provided, single submitter. Criteria: ACMG Guidelines, 2015. Collection method: clinical testing. Allele origin: germline.